The following is an entry in ClinVar:

NM_130384.3(ATRIP):c.707A>G (p.Glu236Gly)

Genes: ATRIP (ATR interacting protein; plus strand), ATRIP-TREX1 (ATRIP-TREX1 readthrough; plus strand). Cytogenetic location: 3p21.31.
Variant type: single nucleotide variant.
Coding change: c.707A>G on transcript NM_130384.3 (MANE Select); coding-DNA position 707, A replaced by G.
Protein change: p.Glu236Gly; replaces glutamic acid 236 with glycine.
Molecular consequence: missense variant. On other transcripts: non-coding transcript variant (1).
Genome position (GRCh38, 1-based): chr3:48,457,294, A>G. VCF-style: chr3-48457294-A-G. GRCh37 (hg19) VCF-style: chr3-48498694-A-G.
Other names: c.326A>G, p.Glu109Gly (NM_001271022.2); c.428A>G, p.Glu143Gly (NM_001271023.2); c.707A>G, p.Glu236Gly (NM_032166.4); short protein forms E109G, E143G, E236G.
Identifiers: ClinVar variation 3808790 (VCV003808790.1).
Genomic context (GRCh38, chr3:48,457,294, plus strand): 5'-TGCTTTCATAGTTAACTTTTTCCAGTCCTAGGAAAAACCCTTCTGTGGTTATAAAGCCAG[A>G]AGCATGTTCTCCACAATTTGGAAAAACATCTTTTCCTACAAAGGAGTCTTTTAGTGCTAA-3'
Protein context (NP_569055.1, residues 226-246): RKNPSVVIKP[Glu236Gly]ACSPQFGKTS

ClinVar aggregate classification (germline): Uncertain significance (1 of 4 stars; one submission).

gnomAD v4.1: 1 of 1,600,602 alleles (0.000062%); highest among the groups gnomAD compares: Non-Finnish European, 0.000085%; no homozygotes.

Submission:

Ambry Genetics
Classification: Uncertain significance. Last evaluated: 2024-12-13. Review status: criteria provided, single submitter. Criteria: Ambry Variant Classification Scheme 2023. Collection method: clinical testing. Allele origin: germline.
Comment: The p.E236G variant (also known as c.707A>G), located in coding exon 5 of the ATRIP gene, results from an A to G substitution at nucleotide position 707. The glutamic acid at codon 236 is replaced by glycine, an amino acid with similar properties. This amino acid position is highly conserved in available vertebrate species. In addition, the in silico prediction for this alteration is inconclusive. The evidence for this gene-disease relationship is limited; therefore, the clinical significance of this alteration is unclear.